The following is an entry in ClinVar:

ClinVar aggregate classification (germline): Pathogenic/Likely pathogenic. Review status: criteria provided, multiple submitters, no conflicts (2 of 4 stars). 14 submissions from 14 submitters: Pathogenic (12); Likely pathogenic (2). Last evaluated 2026-05-28.

Conditions:
Autosomal recessive titinopathy. Identifiers: MedGen CN315649, MONDO:0100493.
Dilated cardiomyopathy 1G (CMD1G). Identifiers: Orphanet 154, MedGen C1858763, MONDO:0011400, OMIM 604145.
Autosomal recessive limb-girdle muscular dystrophy type 2J (LGMDR10). Also called: MUSCULAR DYSTROPHY, LIMB-GIRDLE, AUTOSOMAL RECESSIVE 10; Limb-girdle muscular dystrophy, type 2J. Identifiers: Orphanet 140922, MedGen C1837342, MONDO:0012127, OMIM 608807.
Cardiovascular phenotype. Identifiers: MedGen CN230736.
TTN-related disorder. Also called: TTN-related disorders; TTN-related condition; TTN-related disease.
Early-onset myopathy with fatal cardiomyopathy (CMYO5). Also called: CONGENITAL MYOPATHY 5 WITH CARDIOMYOPATHY; Salih Myopathy. Identifiers: Orphanet 289377, MedGen C2673677, MONDO:0012714, OMIM 611705. Disease mechanism: loss of function.
Hypertrophic cardiomyopathy 9. Also called: Familial hypertrophic cardiomyopathy 9. Identifiers: MedGen C1861065, MONDO:0013412, OMIM 613765.
Tibial muscular dystrophy (TMD). Also called: Udd Distal Myopathy – Tibial Muscular Dystrophy; Tibial muscular dystrophy, tardive; UDD MYOPATHY. Identifiers: Orphanet 609, MedGen C1838244, MONDO:0010870, OMIM 600334.
Myopathy, myofibrillar, 9, with early respiratory failure (MFM9). Also called: Myopathy, distal, with early respiratory failure, autosomal dominant; Hereditary myopathy with early respiratory failure; MYOPATHY, PROXIMAL, WITH EARLY RESPIRATORY MUSCLE INVOLVEMENT; EDSTROM MYOPATHY. Identifiers: Orphanet 178464, Orphanet 34521, MedGen C1863599, MONDO:0011362, OMIM 603689.
Cardiomyopathy (CMYO). Also called: Cardiomyopathies. Identifiers: Orphanet 167848, MedGen C0878544, MONDO:0004994, HP:0001638. Inheritance: Various modes of inheritance.
Primary dilated cardiomyopathy (DCM). Also called: Dilated Cardiomyopathy. Identifiers: Orphanet 217604, MedGen C0007193, MeSH D002311, MONDO:0005021, HP:0001644. Inheritance: Various modes of inheritance.

Allele frequency attached by ClinVar (database versions not stated): ExAC 0.00001; gnomAD 0.00005; gnomAD exomes below 0.00001; TOPMed 0.00003.
gnomAD v4.1: 19 of 1,581,920 alleles (0.0012%); highest among the groups gnomAD compares: African/African-American, 0.0027%; no homozygotes.

Submissions 1 to 6 of 14:

PreventionGenetics, part of Exact Sciences
Classification: Pathogenic for TTN-related condition. Last evaluated: 2026-05-28. Review status: criteria provided, single submitter. Criteria: ACMG Guidelines, 2015. Collection method: clinical testing. Allele origin: germline.
Comment: The TTN c.86821+2T>A variant is predicted to disrupt the GT donor site and interfere with normal splicing. This variant was reported in the heterozygous and compound heterozygous states in individuals with TTN-related disorders (described as c.81898+2T>A, Herman et al. 2012. PubMed ID: 22335739; described as IVS 275+2T>A, Norton et al. 2013. PubMed ID: 23418287; Martinez-Thompson et al. 2019. PubMed ID: 30681174; Table S2, Goli et al. 2021. PubMed ID: 33874732). This variant is reported in 0.0042% of alleles in individuals of African descent in gnomAD and is interpreted as pathogenic/likely pathogenic in ClinVar (Variation ID: 47458). This variant is located in the A-band region of the protein in which truncating TTN variants have been found more frequently in dilated cardiomyopathy patients than in controls (Herman et al. 2012. PubMed ID: 22335739). RNAseq studies from heart tissue indicate this exon is commonly included in TTN mRNA transcripts (PSI of 95%-100%, Roberts et al. 2015. PubMed ID: 25589632). TTN loss-of-function variants occurring in constitutively expressed exons (PSI > 90%) are more likely to be disease causing for TTN cardiac-related disorders regardless of band location (Roberts et al. 2015. PubMed ID: 25589632; Schafer et al. 2017. PubMed ID: 27869827; Akhtar et al. 2020. PubMed ID: 32964742). Many cases of recessive TTN-related myopathies in which the individual is compound heterozygous for two loss-of-function variants in TTN have also been reported (Ge et al. 2019. PubMed ID: 31053406; Oates et al. 2018. PubMed ID: 29691892; Rees et al. 2021. PubMed ID: 33449170). In summary, this variant is categorized as pathogenic. Of note, this variant is considered pathogenic for increased risk of TTN-related cardiac disorders, and also for autosomal recessive TTN-related congenital titinopathies.

Labcorp Genetics (formerly Invitae), Labcorp
Classification: Pathogenic for Dilated cardiomyopathy 1G; Autosomal recessive limb-girdle muscular dystrophy type 2J. Last evaluated: 2026-02-01. Review status: criteria provided, single submitter. Criteria: Invitae Variant Classification Sherloc (09022015). Collection method: clinical testing. Allele origin: germline.
Comment: This sequence change affects a donor splice site in intron 326 of the TTN gene. It is expected to disrupt RNA splicing and likely results in a truncated or disrupted TTN protein. This variant is present in population databases (rs397517735, gnomAD 0.01%). Disruption of this splice site has been observed in individual(s) with dilated cardiomyopathy (PMID: 22335739, 23418287, 25589632). It has also been observed to segregate with disease in related individuals. This variant is also known as IVS 275+2T>A. ClinVar contains an entry for this variant (Variation ID: 47458). Algorithms developed to predict the effect of sequence changes on RNA splicing suggest that this variant may disrupt the consensus splice site. This variant is located in the A band of TTN (PMID: 25589632). Truncating variants in this region are significantly overrepresented in patients affected with dilated cardiomyopathy (PMID: 25589632). Truncating variants in this region have also been reported in individuals affected with autosomal recessive centronuclear myopathy (PMID: 23975875). For these reasons, this variant has been classified as Pathogenic.

Greenwood Genetic Center Diagnostic Laboratories, Greenwood Genetic Center
Classification: Likely pathogenic for TTN-related disorder. Last evaluated: 2024-12-17. Review status: criteria provided, single submitter. Criteria: ACMG Guidelines, 2015. Collection method: clinical testing. Allele origin: germline. Affected: yes.
Comment: PM2, PP3_Strong, PP1

Women's Health and Genetics/Laboratory Corporation of America, LabCorp
Classification: Pathogenic for Autosomal recessive titinopathy. Last evaluated: 2024-11-04. Review status: criteria provided, single submitter. Criteria: LabCorp Variant Classification Summary - May 2015. Collection method: clinical testing. Allele origin: germline.
Comment: Variant summary: TTN c.79117+2T>A, intron 275 in transcript NM_133378 (also reported as c.86821+2T>A in transcript NM_001267550, intron 326) is located in a canonical splice-site and is predicted to affect mRNA splicing resulting in a significantly altered protein due to either exon skipping, shortening, or inclusion of intronic material. Variants that disrupt the consensus splice site are a relatively common cause of aberrant splicing and loss of TTN function. Several computational tools predict a significant impact on normal splicing: Four predict the variant abolishes a 5' splicing donor site. However, these predictions have yet to be confirmed by functional studies. Loss of function variants in all TTN bands are strongly associated with a spectrum of autosomal recessive titinopathies when exon expression (proportion spliced in, PSI, 1=complete expression) in skeletal muscle is >0.1 (PMID: 36977548, 39198997, 29598826, 32778822, 29691892, 33449170, 36977548, internal data). In contrast, loss of function variants in all TTN bands are strongly associated with autosomal dominant TTN-related cardiomyopathies if located in exons constitutively expressed (PSI >0.9) in cardiac muscle, excluding extreme C-terminal exons 359-363 (PMID: 25589632, 31216868, 32964742, 34662387, 27869827, Shetty et al., Nat Cardiovasc Res 2024,, internal data). This variant has a maximum skeletal muscle PSI of 0.968 and a maximum cardiac muscle PSI of 1.0. The variant allele was found at a frequency of 4.4e-06 in 228782 control chromosomes. c.79117+2T>A has been reported in the literature (alternate nomenclature "IVS 275+2T>A" and "c.81898+2T>A") in multiple related individuals affected with Dilated Cardiomyopathy (example, Abdulrahim_2020, Norton_2013), including at least 1 family where it segregated with disease. These data indicate that the variant is likely to be associated with disease. To our knowledge, no experimental evidence demonstrating an impact on protein function has been reported. The following publications have been ascertained in the context of this evaluation (PMID: 32792077, 23418287). ClinVar contains an entry for this variant (Variation ID: 47458). Based on the evidence outlined above, the variant was classified as pathogenic for both autosomal dominant and autosomal recessive TTN-related conditions.

Mayo Clinic Laboratories, Mayo Clinic
Classification: Pathogenic. Last evaluated: 2024-10-09. Review status: criteria provided, single submitter. Criteria: ACMG Guidelines, 2015. Collection method: clinical testing. Allele origin: germline. Observed: 3 variant alleles.
Comment: PP1, PM2_supporting, PVS1

Ambry Genetics
Classification: Pathogenic for Cardiovascular phenotype. Last evaluated: 2024-05-28. Review status: criteria provided, single submitter. Criteria: Ambry Variant Classification Scheme 2023. Collection method: clinical testing. Allele origin: germline.
Comment: The c.59626+2T>A intronic variant results from a T to A substitution two nucleotides after coding exon 153 in the TTN gene. This alteration disrupts the canonical splice site and is expected to cause aberrant splicing, resulting in an abnormal protein or a transcript that is subject to nonsense-mediated mRNA decay. This exon is located in the A-band region of the N2-B isoform of the titin protein and is constitutively expressed in TTN transcripts (percent spliced in or PSI 100%). Based on data from gnomAD, the A allele has an overall frequency of 0.001% (2/260184) total alleles studied. The highest observed frequency was 0.004% (1/23844) of African alleles. This variant has been reported in several dilated cardiomyopathy patients and has been shown to segregate with disease in families (Herman, 2012; Norton, 2013; Pugh, 2014). This nucleotide position is highly conserved in available vertebrate species. In silico splice site analysis predicts that this alteration will weaken the native splice donor site. Based on the available evidence, this alteration is classified as pathogenic.

NM_001267550.2(TTN):c.86821+2T>A

Genes: TTN (titin; minus strand), TTN-AS1 (TTN antisense RNA 1; plus strand). Cytogenetic location: 2q31.2.
Variant type: single nucleotide variant.
Coding change: c.86821+2T>A on transcript NM_001267550.2 (MANE Select); the canonical splice donor site of the intron after coding-DNA position 86821, T replaced by A.
Molecular consequence: splice donor variant.
Genome position (GRCh38, 1-based): chr2:178,559,309, A>T on the plus strand (T>A on the coding strand, the complement: TTN is on the minus strand). VCF-style: chr2-178559309-A-T. GRCh37 (hg19) VCF-style: chr2-179424036-A-T.
Other names: p.?; c.59626+2T>A (NM_003319.4); c.60202+2T>A (NM_133437.4); c.60001+2T>A (NM_133432.3); c.79117+2T>A (NM_133378.4); c.81898+2T>A (NM_001256850.1).
Identifiers: ClinVar variation 47458 (VCV000047458.42), dbSNP rs397517735, ClinGen allele CA261913.